The following is an entry in ClinVar:

ClinVar aggregate classification (germline): Likely benign. Review status: criteria provided, single submitter (1 of 4 stars). 2 submissions from 2 submitters: Likely benign (1). 1 of the submissions does not count toward it. Last evaluated 2024-10-13.

Conditions:
IFT172-related disorder. Also called: IFT172-related disorders; IFT172-related condition.
Retinitis pigmentosa 71 (RP71). Identifiers: Orphanet 791, MedGen C4225342, MONDO:0014618, OMIM 616394.
Short-rib thoracic dysplasia 10 with or without polydactyly (SRTD10). Identifiers: Orphanet 474, MedGen C3810175, MONDO:0014284, OMIM 615630.

Allele frequency attached by ClinVar (database versions not stated): ExAC 0.00001; gnomAD exomes 0.00001 and 0.00002; TOPMed 0.00001.
gnomAD v4.1: 24 of 1,613,812 alleles (0.0015%); highest among the groups gnomAD compares: Non-Finnish European, 0.0019%; no homozygotes.

Submissions (2):

Labcorp Genetics (formerly Invitae), Labcorp
Classification: Likely benign for Retinitis pigmentosa 71; Short-rib thoracic dysplasia 10 with or without polydactyly. Last evaluated: 2024-10-13. Review status: criteria provided, single submitter. Criteria: Invitae Variant Classification Sherloc (09022015). Collection method: clinical testing. Allele origin: germline.

PreventionGenetics, part of Exact Sciences
Classification: Likely benign for IFT172-related condition. Last evaluated: 2020-10-12. Review status: no assertion criteria provided. Collection method: clinical testing. Allele origin: germline. Not counted in ClinVar's aggregate classification.
Comment: This variant is classified as likely benign based on ACMG/AMP sequence variant interpretation guidelines (Richards et al. 2015 PMID: 25741868, with internal and published modifications).

NM_015662.3(IFT172):c.40-6C>G

Gene: IFT172 (intraflagellar transport 172; minus strand). Cytogenetic location: 2p23.3.
Variant type: single nucleotide variant.
Coding change: c.40-6C>G on transcript NM_015662.3 (MANE Select); 6 bases into the intron before coding-DNA position 40, C replaced by G.
Molecular consequence: intron variant.
Genome position (GRCh38, 1-based): chr2:27,485,509, G>C on the plus strand (C>G on the coding strand, the complement: IFT172 is on the minus strand). VCF-style: chr2-27485509-G-C. GRCh37 (hg19) VCF-style: chr2-27708376-G-C.
Identifiers: ClinVar variation 767277 (VCV000767277.7), dbSNP rs747734190, ClinGen allele CA1581128.